The following is an entry in ClinVar:

ClinVar aggregate classification (germline): Uncertain significance. Review status: criteria provided, multiple submitters, no conflicts (2 of 4 stars). 5 submissions from 5 submitters: Uncertain significance (5). Last evaluated 2026-06-15.

Conditions:
Ataxia-telangiectasia syndrome (AT). Also called: ATAXIA-TELANGIECTASIA, COMPLEMENTATION GROUP A; ATAXIA-TELANGIECTASIA, FRESNO VARIANT; Ataxia-telangiectasia; Ataxia telangiectasia (A-T); Cerebello-oculocutaneous telangiectasia; Immunodeficiency with ataxia telangiectasia. Identifiers: Orphanet 100, MedGen C0004135, MONDO:0008840, OMIM 208900.
Familial cancer of breast. Also called: Hereditary breast cancer; BREAST CANCER, FAMILIAL; hereditary breast carcinoma. Identifiers: Orphanet 227535, MedGen C0346153, MONDO:0016419, OMIM 114480. Disease mechanism: loss of function.
Hereditary cancer-predisposing syndrome. Also called: Neoplastic Syndromes, Hereditary; Tumor predisposition; Hereditary Cancer Syndrome; Hereditary neoplastic syndrome. Identifiers: Orphanet 140162, MedGen C0027672, MeSH D009386, MONDO:0015356.

Allele frequency attached by ClinVar (database versions not stated): gnomAD exomes below 0.00001; ExAC 0.00001.
gnomAD v4.1: 1 of 1,613,978 alleles (0.000062%); highest among the groups gnomAD compares: South Asian, 0.0011%; no homozygotes.

Submissions (5):

Women's Health and Genetics/Laboratory Corporation of America, LabCorp
Classification: Uncertain significance. Last evaluated: 2026-06-15. Review status: criteria provided, single submitter. Criteria: LabCorp Variant Classification Summary - May 2015. Collection method: clinical testing. Allele origin: germline.
Comment: Variant summary: ATM c.3275C>T (p.Ser1092Leu) results in a non-conservative amino acid change in the encoded protein sequence. Algorithms developed to predict the effect of missense changes on protein structure and function are either unavailable or do not agree on the potential impact of this missense change. The variant allele was found at a frequency of 4e-06 in 251102 control chromosomes. The available data on variant occurrences in the general population are insufficient to allow any conclusion about variant significance. c.3275C>T has been observed in individual(s) affected with ATM-related conditions (Shao_2020). These report(s) do not provide unequivocal conclusions about association of the variant with disease. To our knowledge, no experimental evidence demonstrating an impact on protein function has been reported. The following publication has been ascertained in the context of this evaluation (PMID: 31742824). ClinVar contains an entry for this variant (Variation ID: 661946). Based on the evidence outlined above, the variant was classified as uncertain significance.

Ambry Genetics
Classification: Uncertain significance for Hereditary cancer-predisposing syndrome. Last evaluated: 2024-02-08. Review status: criteria provided, single submitter. Criteria: Ambry Variant Classification Scheme 2023. Collection method: clinical testing. Allele origin: germline.
Comment: The p.S1092L variant (also known as c.3275C>T), located in coding exon 21 of the ATM gene, results from a C to T substitution at nucleotide position 3275. The serine at codon 1092 is replaced by leucine, an amino acid with dissimilar properties. This variant was reported in a cohort of 882 Chinese individuals with a personal and/or family history of breast or ovarian cancers (Shao D et al. Cancer Sci, 2020 Feb;111:647-657). This amino acid position is highly conserved in available vertebrate species. In addition, this alteration is predicted to be deleterious by in silico analysis. Based on the available evidence, the clinical significance of this alteration remains unclear.

Department of Pathology and Laboratory Medicine, Sinai Health System
Classification: Uncertain significance for Familial cancer of breast. Last evaluated: 2023-05-08. Review status: criteria provided, single submitter. Criteria: ACMG Guidelines, 2015. Collection method: clinical testing. Allele origin: germline. Affected: yes.

Institute for Clinical Genetics, University Hospital TU Dresden, University Hospital TU Dresden
Classification: Uncertain significance. Last evaluated: 2021-11-03. Review status: criteria provided, single submitter. Criteria: ACMG Guidelines, 2015. Collection method: clinical testing. Allele origin: germline.

Labcorp Genetics (formerly Invitae), Labcorp
Classification: Uncertain significance for Ataxia-telangiectasia syndrome. Last evaluated: 2021-08-27. Review status: criteria provided, single submitter. Criteria: Invitae Variant Classification Sherloc (09022015). Collection method: clinical testing. Allele origin: germline.
Comment: This sequence change replaces serine with leucine at codon 1092 of the ATM protein (p.Ser1092Leu). The serine residue is moderately conserved and there is a large physicochemical difference between serine and leucine. This variant is present in population databases (rs774197372, ExAC 0.006%). This variant has not been reported in the literature in individuals affected with ATM-related conditions. Algorithms developed to predict the effect of missense changes on protein structure and function output the following: SIFT: "Tolerated"; PolyPhen-2: "Benign"; Align-GVGD: "Class C0". The leucine amino acid residue is found in multiple mammalian species, which suggests that this missense change does not adversely affect protein function. In summary, the available evidence is currently insufficient to determine the role of this variant in disease. Therefore, it has been classified as a Variant of Uncertain Significance.

Literature cited by the submitters: PubMed 31742824 (cited by Women's Health and Genetics/Laboratory Corporation of America, LabCorp and Ambry Genetics); PubMed 33471991 (cited by Department of Pathology and Laboratory Medicine, Sinai Health System).

NM_000051.4(ATM):c.3275C>T (p.Ser1092Leu)

Gene: ATM (ATM serine/threonine kinase; plus strand). Cytogenetic location: 11q22.3.
Variant type: single nucleotide variant.
Coding change: c.3275C>T on transcript NM_000051.4 (MANE Select); coding-DNA position 3275, C replaced by T.
Protein change: p.Ser1092Leu; replaces serine 1092 with leucine.
Molecular consequence: missense variant.
Genome position (GRCh38, 1-based): chr11:108,272,843, C>T. VCF-style: chr11-108272843-C-T. GRCh37 (hg19) VCF-style: chr11-108143570-C-T.
Other names: c.3275C>T, p.Ser1092Leu (NM_001351834.2); short protein forms S1092L.
Identifiers: ClinVar variation 661946 (VCV000661946.9), dbSNP rs774197372, ClinGen allele CA6265238.